The following is an entry in ClinVar:

ClinVar aggregate classification (germline): Uncertain significance. Review status: criteria provided, multiple submitters, no conflicts (2 of 4 stars). 2 submissions from 2 submitters: Uncertain significance (2). Last evaluated 2022-09-24.

Conditions:
Oligodontia-cancer predisposition syndrome. Also called: TOOTH AGENESIS-COLORECTAL CANCER SYNDROME. Identifiers: Orphanet 300576, MedGen C1837750, MONDO:0012075, OMIM 608615. Disease mechanism: loss of function.
Hereditary cancer-predisposing syndrome. Also called: Hereditary neoplastic syndrome; Neoplastic Syndromes, Hereditary; Tumor predisposition; Hereditary Cancer Syndrome. Identifiers: Orphanet 140162, MedGen C0027672, MeSH D009386, MONDO:0015356.

Allele frequency attached by ClinVar (database versions not stated): TOPMed below 0.00001.

Submissions (2):

Ambry Genetics
Classification: Uncertain significance for Hereditary cancer-predisposing syndrome. Last evaluated: 2022-09-24. Review status: criteria provided, single submitter. Criteria: Ambry Variant Classification Scheme 2023. Collection method: clinical testing. Allele origin: germline.
Comment: The p.F770L variant (also known as c.2308T>C), located in coding exon 9 of the AXIN2 gene, results from a T to C substitution at nucleotide position 2308. The phenylalanine at codon 770 is replaced by leucine, an amino acid with highly similar properties. This amino acid position is conserved. In addition, the in silico prediction for this alteration is inconclusive. Since supporting evidence is limited at this time, the clinical significance of this alteration remains unclear.

Labcorp Genetics (formerly Invitae), Labcorp
Classification: Uncertain significance for Oligodontia-cancer predisposition syndrome. Last evaluated: 2022-05-23. Review status: criteria provided, single submitter. Criteria: Invitae Variant Classification Sherloc (09022015). Collection method: clinical testing. Allele origin: germline.
Comment: In summary, the available evidence is currently insufficient to determine the role of this variant in disease. Therefore, it has been classified as a Variant of Uncertain Significance. Algorithms developed to predict the effect of missense changes on protein structure and function are either unavailable or do not agree on the potential impact of this missense change (SIFT: "Deleterious"; PolyPhen-2: "Probably Damaging"; Align-GVGD: "Class C15"). ClinVar contains an entry for this variant (Variation ID: 533141). This variant has not been reported in the literature in individuals affected with AXIN2-related conditions. This variant is not present in population databases (gnomAD no frequency). This sequence change replaces phenylalanine, which is neutral and non-polar, with leucine, which is neutral and non-polar, at codon 770 of the AXIN2 protein (p.Phe770Leu).

NM_004655.4(AXIN2):c.2308T>C (p.Phe770Leu)

Gene: AXIN2 (axin 2; minus strand). Cytogenetic location: 17q24.1.
Variant type: single nucleotide variant.
Coding change: c.2308T>C on transcript NM_004655.4 (MANE Select); coding-DNA position 2308, T replaced by C.
Protein change: p.Phe770Leu; replaces phenylalanine 770 with leucine.
Molecular consequence: missense variant.
Genome position (GRCh38, 1-based): chr17:65,534,009, A>G on the plus strand (T>C on the coding strand, the complement: AXIN2 is on the minus strand). VCF-style: chr17-65534009-A-G. GRCh37 (hg19) VCF-style: chr17-63530127-A-G.
Other names: c.2308T>C (LRG_296t1); c.2113T>C, p.Phe705Leu (NM_001363813.1); short protein forms F770L, F705L.
Identifiers: ClinVar variation 533141 (VCV000533141.11), dbSNP rs1555576387, ClinGen allele CA400675539.